The following is an entry in ClinVar:

ClinVar aggregate classification (germline): Likely benign (1 of 4 stars; one submission).

Allele frequency attached by ClinVar (database versions not stated): ExAC 0.00002; TOPMed 0.00003; gnomAD 0.00007; ESP Exome Variant Server 0.00008.
gnomAD v4.1: 48 of 1,613,800 alleles (0.003%); highest among the groups gnomAD compares: Middle Eastern, 0.017%; no homozygotes.

Submission:

CeGaT Center for Human Genetics Tuebingen
Classification: Likely benign. Last evaluated: 2022-11-01. Review status: criteria provided, single submitter. Criteria: CeGaT Center For Human Genetics Tuebingen Variant Classification Criteria Version 2. Collection method: clinical testing. Allele origin: germline. Affected: yes. Observed: 1 variant allele.
Comment: PCM1: BP4, BP7

NM_006197.4(PCM1):c.3741C>T (p.Asn1247=)

Gene: PCM1 (pericentriolar material 1; plus strand). Cytogenetic location: 8p22.
Variant type: single nucleotide variant.
Coding change: c.3741C>T on transcript NM_006197.4 (MANE Select); coding-DNA position 3741, C replaced by T.
Protein change: p.Asn1247=; no amino-acid change (asparagine 1247 retained).
Molecular consequence: synonymous variant. On other transcripts: non-coding transcript variant (1).
Genome position (GRCh38, 1-based): chr8:17,972,485, C>T. VCF-style: chr8-17972485-C-T. GRCh37 (hg19) VCF-style: chr8-17829994-C-T.
Other names: c.3741C>T, p.Asn1247= (NM_001315507.2, NM_001352634.2, NM_001352639.2 and 13 more transcripts); c.3744C>T, p.Asn1248= (NM_001315508.2, NM_001352635.2, NM_001352640.2 and 2 more transcripts); c.3858C>T, p.Asn1286= (NM_001352632.2, NM_001352633.2, NM_001352637.2 and 4 more transcripts); c.3861C>T, p.Asn1287= (NM_001352636.2).
Identifiers: ClinVar variation 2658451 (VCV002658451.24), dbSNP rs369452452, ClinGen allele CA4649586.